The following is an entry in ClinVar:

ClinVar aggregate classification (germline): Uncertain significance (1 of 4 stars; one submission).

Conditions:
Ullrich congenital muscular dystrophy 2 (UCMD2). Identifiers: Orphanet 75840, MedGen C4225314, MONDO:0014654, OMIM 616470.
Bethlem myopathy 2 (BTHLM2). Identifiers: Orphanet 536516, Orphanet 610, MedGen C4225313, MONDO:0034022, OMIM 616471.

Allele frequency attached by ClinVar (database versions not stated): gnomAD exomes below 0.00001.
gnomAD v4.1: 1 of 1,613,918 alleles (0.000062%); highest among the groups gnomAD compares: Non-Finnish European, 0.000085%; no homozygotes.

Submission:

Labcorp Genetics (formerly Invitae), Labcorp
Classification: Uncertain significance for Bethlem myopathy 2; Ullrich congenital muscular dystrophy 2. Last evaluated: 2023-12-25. Review status: criteria provided, single submitter. Criteria: Invitae Variant Classification Sherloc (09022015). Collection method: clinical testing. Allele origin: germline.
Comment: This sequence change replaces alanine, which is neutral and non-polar, with threonine, which is neutral and polar, at codon 2445 of the COL12A1 protein (p.Ala2445Thr). This variant is not present in population databases (gnomAD no frequency). This variant has not been reported in the literature in individuals affected with COL12A1-related conditions. Advanced modeling of protein sequence and biophysical properties (such as structural, functional, and spatial information, amino acid conservation, physicochemical variation, residue mobility, and thermodynamic stability) has been performed at Invitae for this missense variant, however the output from this modeling did not meet the statistical confidence thresholds required to predict the impact of this variant on COL12A1 protein function. In summary, the available evidence is currently insufficient to determine the role of this variant in disease. Therefore, it has been classified as a Variant of Uncertain Significance.

NM_004370.6(COL12A1):c.7333G>A (p.Ala2445Thr)

Genes: COL12A1 (collagen type XII alpha 1 chain; minus strand), LOC126859712 (MED14-independent group 3 enhancer GRCh37_chr6:75828643-75829842; plus strand). Cytogenetic location: 6q13.
Variant type: single nucleotide variant.
Coding change: c.7333G>A on transcript NM_004370.6 (MANE Select); coding-DNA position 7333, G replaced by A.
Protein change: p.Ala2445Thr; replaces alanine 2445 with threonine.
Molecular consequence: missense variant.
Genome position (GRCh38, 1-based): chr6:75,119,064, C>T on the plus strand (G>A on the coding strand, the complement: COL12A1 is on the minus strand). VCF-style: chr6-75119064-C-T. GRCh37 (hg19) VCF-style: chr6-75828780-C-T.
Other names: c.7333G>A, p.Ala2445Thr (NM_001424113.1); c.7312G>A, p.Ala2438Thr (NM_001424114.1); c.7060G>A, p.Ala2354Thr (NM_001424115.1); c.3841G>A, p.Ala1281Thr (NM_001424116.1, NM_080645.3); short protein forms A1281T, A2438T, A2445T, A2354T.
Identifiers: ClinVar variation 2954478 (VCV002954478.3), dbSNP rs2533199231, ClinGen allele CA364747427.